The following is an entry in ClinVar:

ClinVar aggregate classification (germline): Likely benign. Review status: criteria provided, multiple submitters, no conflicts (2 of 4 stars). 5 submissions from 3 submitters: Likely benign (5). Last evaluated 2025-12-20.

Conditions:
Dilated cardiomyopathy 1D. Identifiers: Orphanet 154, Orphanet 54260, MedGen C1832243, MONDO:0011095, OMIM 601494.
Cardiomyopathy, familial restrictive, 3. Identifiers: Orphanet 75249, MedGen C2676271, MONDO:0012900, OMIM 612422.
Hypertrophic cardiomyopathy 2. Also called: TNNT2-Related Familial Hypertrophic Cardiomyopathy. Identifiers: MedGen C1861864, MONDO:0007266, OMIM 115195.

Allele frequency attached by ClinVar (database versions not stated): gnomAD 0.00001 and 0.00002; gnomAD exomes 0.00001; ExAC 0.00002; TOPMed 0.00002; 1000 Genomes Project 30x 0.00016; 1000 Genomes Project 0.00020.
gnomAD v4.1: 3 of 1,613,972 alleles (0.00019%); highest among the groups gnomAD compares: African/African-American, 0.0013%; no homozygotes.

Submissions (5):

Labcorp Genetics (formerly Invitae), Labcorp
Classification: Likely benign for Cardiomyopathy, familial restrictive, 3; Hypertrophic cardiomyopathy 2; Dilated cardiomyopathy 1D. Last evaluated: 2025-12-20. Review status: criteria provided, single submitter. Criteria: Invitae Variant Classification Sherloc (09022015). Collection method: clinical testing. Allele origin: germline.

Genome-Nilou Lab
Classification: Likely benign for Dilated cardiomyopathy 1D. Last evaluated: 2023-04-11. Review status: criteria provided, single submitter. Criteria: ACMG Guidelines, 2015. Collection method: clinical testing. Allele origin: germline. Affected: no.

Genome-Nilou Lab
Classification: Likely benign for Cardiomyopathy, familial restrictive, 3. Last evaluated: 2023-04-11. Review status: criteria provided, single submitter. Criteria: ACMG Guidelines, 2015. Collection method: clinical testing. Allele origin: germline. Affected: no.

Genome-Nilou Lab
Classification: Likely benign for Hypertrophic cardiomyopathy 2. Last evaluated: 2023-04-11. Review status: criteria provided, single submitter. Criteria: ACMG Guidelines, 2015. Collection method: clinical testing. Allele origin: germline. Affected: no.

GeneDx
Classification: Likely benign. Last evaluated: 2016-11-10. Review status: criteria provided, single submitter. Criteria: GeneDx Variant Classification (06012015). Collection method: clinical testing. Allele origin: germline. Affected: yes.
Comment: This variant is considered likely benign or benign based on one or more of the following criteria: it is a conservative change, it occurs at a poorly conserved position in the protein, it is predicted to be benign by multiple in silico algorithms, and/or has population frequency not consistent with disease.

NM_001276345.2(TNNT2):c.163+13T>C

Gene: TNNT2 (troponin T2, cardiac type; minus strand). Cytogenetic location: 1q32.1.
Variant type: single nucleotide variant.
Coding change: c.163+13T>C on transcript NM_001276345.2 (MANE Select); 13 bases into the intron after coding-DNA position 163, T replaced by C.
Molecular consequence: intron variant.
Genome position (GRCh38, 1-based): chr1:201,368,149, A>G on the plus strand (T>C on the coding strand, the complement: TNNT2 is on the minus strand). VCF-style: chr1-201368149-A-G. GRCh37 (hg19) VCF-style: chr1-201337277-A-G.
Other names: c.118+13T>C (NM_001001432.3); c.133+13T>C (NM_001001431.3, NM_001001430.3, NM_001276347.2); c.163+13T>C (NM_001276346.2, NM_000364.4).
Identifiers: ClinVar variation 390745 (VCV000390745.6), dbSNP rs527486692, ClinGen allele CA088876.